The following is an entry in ClinVar:

NM_006516.4(SLC2A1):c.1261T>C (p.Cys421Arg)

Gene: SLC2A1 (solute carrier family 2 member 1; minus strand). Cytogenetic location: 1p34.2.
Variant type: single nucleotide variant.
Coding change: c.1261T>C on transcript NM_006516.4 (MANE Select); coding-DNA position 1261, T replaced by C.
Protein change: p.Cys421Arg; replaces cysteine 421 with arginine.
Molecular consequence: missense variant.
Genome position (GRCh38, 1-based): chr1:42,927,622, A>G on the plus strand (T>C on the coding strand, the complement: SLC2A1 is on the minus strand). VCF-style: chr1-42927622-A-G. GRCh37 (hg19) VCF-style: chr1-43393293-A-G.
Other names: short protein forms C421R.
Identifiers: ClinVar variation 565292 (VCV000565292.5), dbSNP rs1557644984, ClinGen allele CA339953639.
Genomic context (GRCh38, chr1:42,927,622, plus strand): 5'-GGTCATGCGTGCGGGTGAGTATAGAGACAGTGGGGGTTCTCACCTCCACATACTGGAAGC[A>G]CATGCCCACAATGAAATTTGAGGTCCAGTTGGAGAAGCCTGCAACGGCAATGGCAGCTGG-3'
Protein context (NP_006507.2, residues 411-431): NWTSNFIVGM[Cys421Arg]FQYVEQLCGP

ClinVar aggregate classification (germline): Conflicting classifications of pathogenicity. Review status: criteria provided, conflicting classifications (1 of 4 stars). 2 submissions from 2 submitters: Pathogenic (1); Uncertain significance (1). Last evaluated 2023-12-11.

Conditions:
Encephalopathy due to GLUT1 deficiency. Also called: Classic Glucose Transporter Type 1 Deficiency Syndrome; GLUT1 deficiency syndrome 1; De Vivo disease; GLUT1 deficiency syndrome 1, infantile onset, severe; GLUCOSE TRANSPORT DEFECT, BLOOD-BRAIN BARRIER; Glucose transporter protein syndrome. Identifiers: Orphanet 71277, MedGen C4551966, MONDO:0011724, OMIM 606777.

Submissions (2):

Women's Health and Genetics/Laboratory Corporation of America, LabCorp
Classification: Uncertain significance. Last evaluated: 2023-12-11. Review status: criteria provided, single submitter. Criteria: LabCorp Variant Classification Summary - May 2015. Collection method: clinical testing. Allele origin: germline.
Comment: Variant summary: SLC2A1 c.1261T>C (p.Cys421Arg) results in a non-conservative amino acid change located in the major facilitator superfamily domain (IPR020846) of the encoded protein sequence. Three of five in-silico tools predict a benign effect of the variant on protein function. The variant was absent in 250724 control chromosomes (gnomAD). To our knowledge, no occurrence of c.1261T>C in individuals affected with GLUT1 Deficiency Syndrome 1 and no experimental evidence demonstrating its impact on protein function have been reported. One submitter has reported the variant was detected in a patient de novo and classified the variant as pathogenic. Based on the evidence outlined above, the variant was classified as VUS-possibly pathogenic.

Center for Human Genetics and Genomic Medicine, Uniklinik Rwth Aachen
Classification: Pathogenic for Encephalopathy due to GLUT1 deficiency. Last evaluated: 2018-09-26. Review status: criteria provided, single submitter. Criteria: ACMG Guidelines, 2015. Collection method: clinical testing. Allele origin: de novo. Inheritance: Autosomal dominant inheritance. Affected: yes. Observed: 1 heterozygote.
Comment: Confirmed paternity, confirmed as de novo variant (NGS Trio & Sanger Sequencing).